The following is an entry in ClinVar:

NM_004304.5(ALK):c.357G>T (p.Glu119Asp)

Gene: ALK (ALK receptor tyrosine kinase; minus strand). Cytogenetic location: 2p23.1.
Variant type: single nucleotide variant.
Coding change: c.357G>T on transcript NM_004304.5 (MANE Select); coding-DNA position 357, G replaced by T.
Protein change: p.Glu119Asp; replaces glutamic acid 119 with aspartic acid.
Molecular consequence: missense variant.
Genome position (GRCh38, 1-based): chr2:29,920,303, C>A on the plus strand (G>T on the coding strand, the complement: ALK is on the minus strand). VCF-style: chr2-29920303-C-A. GRCh37 (hg19) VCF-style: chr2-30143169-C-A.
Other names: short protein forms E119D.
Identifiers: ClinVar variation 538246 (VCV000538246.18), dbSNP rs758250431, ClinGen allele CA1594995.
Genomic context (GRCh38, chr2:29,920,303, plus strand): 5'-CTTGGCACGCCGGAGCTTGCGCACGGAGCCGCCCTTCAGCACCCTGGACAGCGTCCGGGC[C>A]TCTGCCGGGGCTGGTGAACCGGCGGTCCAGGAGACCCCCGGCGCCGGCCCCAGCAACCTG-3'
Protein context (NP_004295.2, residues 109-129): SWTAGSPAPA[Glu119Asp]ARTLSRVLKG

ClinVar aggregate classification (germline): Conflicting classifications of pathogenicity. Review status: criteria provided, conflicting classifications (1 of 4 stars). 5 submissions from 5 submitters: Uncertain significance (3); Benign (1); Likely benign (1). Last evaluated 2026-01-27.

Conditions:
Neuroblastoma, susceptibility to, 3. Also called: ALK-Related Neuroblastic Tumor Susceptibility. Identifiers: Orphanet 635, MedGen C2751681, MONDO:0013083, OMIM 613014.
Ovarian cancer. Also called: OVARIAN CANCER, SOMATIC. Identifiers: Orphanet 213500, MedGen C1140680, MONDO:0008170, OMIM 167000.
Hereditary cancer-predisposing syndrome. Also called: Neoplastic Syndromes, Hereditary; Tumor predisposition; Hereditary Cancer Syndrome; Hereditary neoplastic syndrome. Identifiers: Orphanet 140162, MedGen C0027672, MeSH D009386, MONDO:0015356.

Allele frequency attached by ClinVar (database versions not stated): ExAC below 0.00001; gnomAD 0.00001; gnomAD exomes 0.00001; TOPMed 0.00001.
gnomAD v4.1: 21 of 1,563,084 alleles (0.0013%); highest among the groups gnomAD compares: East Asian, 0.024%; no homozygotes.

Submissions (5):

Labcorp Genetics (formerly Invitae), Labcorp
Classification: Uncertain significance for Neuroblastoma, susceptibility to, 3. Last evaluated: 2026-01-27. Review status: criteria provided, single submitter. Criteria: Invitae Variant Classification Sherloc (09022015). Collection method: clinical testing. Allele origin: germline.
Comment: This sequence change replaces glutamic acid, which is acidic and polar, with aspartic acid, which is acidic and polar, at codon 119 of the ALK protein (p.Glu119Asp). The frequency data for this variant in the population databases is considered unreliable, as metrics indicate poor data quality at this position in the gnomAD database. This variant has not been reported in the literature in individuals affected with ALK-related conditions. ClinVar contains an entry for this variant (Variation ID: 538246). An algorithm developed to predict the effect of missense changes on protein structure and function (PolyPhen-2) suggests that this variant is likely to be tolerated. In summary, the available evidence is currently insufficient to determine the role of this variant in disease. Therefore, it has been classified as a Variant of Uncertain Significance.

Ambry Genetics
Classification: Likely benign for Hereditary cancer-predisposing syndrome. Last evaluated: 2024-12-04. Review status: criteria provided, single submitter. Criteria: Ambry Variant Classification Scheme 2023. Collection method: clinical testing. Allele origin: germline.

GeneDx
Classification: Uncertain significance. Last evaluated: 2023-10-30. Review status: criteria provided, single submitter. Criteria: GeneDx Variant Classification Process June 2021. Collection method: clinical testing. Allele origin: germline. Affected: yes.
Comment: Not observed at significant frequency in large population cohorts (gnomAD); In silico analysis supports that this missense variant does not alter protein structure/function; Has not been previously published as pathogenic or benign to our knowledge

Laboratory of Molecular Epidemiology of Birth Defects, West China Second University Hospital, Sichuan University
Classification: Benign for Ovarian cancer. Last evaluated: 2022-01-01. Review status: criteria provided, single submitter. Criteria: ACMG Guidelines, 2015. Collection method: clinical testing. Allele origin: germline. Affected: yes.

Illumina Laboratory Services, Illumina
Classification: Uncertain significance for Neuroblastoma, susceptibility to, 3. Last evaluated: 2018-01-12. Review status: criteria provided, single submitter. Criteria: ICSL Variant Classification Criteria 13 December 2019. Collection method: clinical testing. Allele origin: germline.